The following is an entry in ClinVar:

NC_000015.10:g.84817272_84817317del

Gene: ALPK3 (alpha kinase 3; plus strand). Cytogenetic location: 15q25.3.
Variant type: Deletion.
Genome position: GRCh38: chr15:84,817,272-84,817,317. GRCh37 (hg19): chr15:85,360,503-85,360,548.
Identifiers: ClinVar variation 4763403 (VCV004763403.1).

ClinVar aggregate classification (germline): Uncertain significance (1 of 4 stars; one submission).

Submission:

Labcorp Genetics (formerly Invitae), Labcorp
Classification: Uncertain significance. Last evaluated: 2025-12-01. Review status: criteria provided, single submitter. Criteria: Invitae Variant Classification Sherloc (09022015). Collection method: clinical testing. Allele origin: germline.
Comment: This sequence change creates a premature translational stop signal (p.Arg143Hisfs*4) in the ALPK3 gene. It is unclear whether it will result in an absent or disrupted protein product because an in-frame methionine located at codon 203 has the potential to rescue this truncating variant. This variant is not present in population databases (gnomAD no frequency). This variant has not been reported in the literature in individuals affected with ALPK3-related conditions. In summary, the available evidence is currently insufficient to determine the role of this variant in disease. Therefore, it has been classified as a Variant of Uncertain Significance.